The following is an entry in ClinVar:

NM_025103.4(IFT74):c.1623+8dup

Gene: IFT74 (intraflagellar transport 74; plus strand). Cytogenetic location: 9p21.2.
Variant type: Duplication.
Coding change: c.1623+8dup on transcript NM_025103.4 (MANE Select); 8 bases into the intron after coding-DNA position 1623, one base duplicated (A; older notation c.1623+8dupA).
Molecular consequence: intron variant.
Genome position (GRCh38, 1-based): chr9:27,056,467, A duplicated; the last of 6 consecutive A bases (chr9:27,056,462-27,056,467); duplicating any one gives the same sequence. VCF-style (leftmost placement, unchanged base first): chr9-27056461-T-TA. GRCh37 (hg19) VCF-style: chr9-27056459-T-TA.
Other names: c.1623+8dupA (NM_025103.2); c.1623+8dup (NM_001099223.3, NM_001099222.3, NM_001349928.2).
Identifiers: ClinVar variation 2868405 (VCV002868405.4), dbSNP rs751604231, ClinGen allele CA5015712.

ClinVar aggregate classification (germline): Benign. Review status: criteria provided, single submitter (1 of 4 stars). 2 submissions from 2 submitters: Benign (1). 1 of the submissions does not count toward it. Last evaluated 2023-01-04.

Conditions:
IFT74-related disorder. Also called: IFT74-Related Disorders; IFT74-related condition.

Submissions (2):

Labcorp Genetics (formerly Invitae), Labcorp
Classification: Benign. Last evaluated: 2023-01-04. Review status: criteria provided, single submitter. Criteria: Invitae Variant Classification Sherloc (09022015). Collection method: clinical testing. Allele origin: germline.

PreventionGenetics, part of Exact Sciences
Classification: Likely benign for IFT74-related condition. Last evaluated: 2023-03-03. Review status: no assertion criteria provided. Collection method: clinical testing. Allele origin: germline. Not counted in ClinVar's aggregate classification.
Comment: This variant is classified as likely benign based on ACMG/AMP sequence variant interpretation guidelines (Richards et al. 2015 PMID: 25741868, with internal and published modifications).